The following is an entry in ClinVar:

ClinVar aggregate classification (germline): Likely benign (1 of 4 stars; one submission).

Submission:

GeneDx
Classification: Likely benign. Last evaluated: 2017-12-19. Review status: criteria provided, single submitter. Criteria: GeneDx Variant Classification (06012015). Collection method: clinical testing. Allele origin: germline. Affected: yes.
Comment: This variant is considered likely benign or benign based on one or more of the following criteria: it is a conservative change, it occurs at a poorly conserved position in the protein, it is predicted to be benign by multiple in silico algorithms, and/or has population frequency not consistent with disease.

NM_012233.3(RAB3GAP1):c.1697A>C (p.Lys566Thr)

Gene: RAB3GAP1 (RAB3 GTPase activating protein catalytic subunit 1; plus strand). Cytogenetic location: 2q21.3.
Variant type: single nucleotide variant.
Coding change: c.1697A>C on transcript NM_012233.3 (MANE Select); coding-DNA position 1697, A replaced by C.
Protein change: p.Lys566Thr; replaces lysine 566 with threonine.
Molecular consequence: missense variant.
Genome position (GRCh38, 1-based): chr2:135,135,706, A>C. VCF-style: chr2-135135706-A-C. GRCh37 (hg19) VCF-style: chr2-135893276-A-C.
Other names: c.1697A>C, p.Lys566Thr (NM_001172435.2); short protein forms K566T.
Identifiers: ClinVar variation 514136 (VCV000514136.1), dbSNP rs1553447342, ClinGen allele CA348577402.